The following is an entry in ClinVar:

ClinVar aggregate classification (germline): Uncertain significance (1 of 4 stars; one submission).

Conditions:
Hereditary pancreatitis (PCTT). Also called: PRSS1-Related Hereditary Pancreatitis; Hereditary chronic pancreatitis. Identifiers: Orphanet 676, MedGen C0238339, MONDO:0008185, OMIM 167800.

Allele frequency attached by ClinVar (database versions not stated): ExAC 0.01099.

Submission:

Neuberg Centre For Genomic Medicine, NCGM
Classification: Uncertain significance for Hereditary pancreatitis. Review status: criteria provided, single submitter. Criteria: ACMG Guidelines, 2015. Collection method: clinical testing. Allele origin: germline. Inheritance: Autosomal dominant inheritance. Affected: yes.
Comment: The missense variant in c.547A>G in PRSS1 gene has not been reported previously as a pathogenic variant nor as a benign variant, to our knowledge. The p.Met183Val variant is novel (not in any individuals) in 1000 Genomes. This variant has not been reported to the ClinVar database. The amino acid change p.Met183Val in PRSS1 is predicted as conserved by GERP++ and PhyloP across 100 vertebrates. The amino acid Met at position 183 is changed to a Val changing protein sequence and it might alter its composition and physico-chemical properties. For these reasons, this variant has been classified as Uncertain Significance (VUS).

NM_002769.5(PRSS1):c.547A>G (p.Met183Val)

Genes: TRB (T cell receptor beta locus; plus strand), PRSS1 (serine protease 1; plus strand). Cytogenetic location: 7q34.
Variant type: single nucleotide variant.
Coding change: c.547A>G on transcript NM_002769.5 (MANE Select); coding-DNA position 547, A replaced by G.
Protein change: p.Met183Val; replaces methionine 183 with valine.
Molecular consequence: missense variant. On other transcripts: non-coding transcript variant (5).
Genome position (GRCh38, 1-based): chr7:142,752,523, A>G. VCF-style: chr7-142752523-A-G. GRCh37 (hg19) VCF-style: chr7-142460374-A-G.
Other names: short protein forms M183V.
Identifiers: ClinVar variation 2584923 (VCV002584923.1), dbSNP rs200070487, ClinGen allele CA4530057.